The following is an entry in ClinVar:

ClinVar aggregate classification (germline): Pathogenic, low penetrance (1 of 4 stars; one submission).

Conditions:
Atypical hemolytic-uremic syndrome. Identifiers: Orphanet 2134, MedGen C2931788, MONDO:0016244.

Submission:

Genomenon, Inc
Classification: Pathogenic, low penetrance for Atypical hemolytic-uremic syndrome. Last evaluated: 2025-09-26. Review status: criteria provided, single submitter. Criteria: Genomenon Sequence Variant Interpretation Standards - Updated. Collection method: curation. Allele origin: germline. Affected: yes.
Comment: CFI p.Glu302Ter (c.904G>T) is a nonsense variant that introduces a premature stop codon at amino acid position 302, creating a truncated protein that is predicted to undergo nonsense-mediated mRNA decay. This variant has been observed in at least one proband affected with atypical hemolytic-uremic syndrome (PMID:30905589). Functional studies have been reported; however, the significance of the findings remain unclear (PMID:33614676). It is absent or not present at a significant frequency in gnomAD. In conclusion, we classify CFI p.Glu302Ter (c.904G>T) as a pathogenic, low penetrance variant.

Literature cited by the submitters: PubMed 30905589; 33614676.

NM_000204.5(CFI):c.904G>T (p.Glu302Ter)

Gene: CFI (complement factor I; minus strand). Cytogenetic location: 4q25.
Variant type: single nucleotide variant.
Coding change: c.904G>T on transcript NM_000204.5 (MANE Select); coding-DNA position 904, G replaced by T.
Protein change: p.Glu302Ter; replaces glutamic acid 302 with a stop codon.
Molecular consequence: nonsense. On other transcripts: non-coding transcript variant (3), intron variant (5).
Genome position (GRCh38, 1-based): chr4:109,757,763, C>A on the plus strand (G>T on the coding strand, the complement: CFI is on the minus strand). VCF-style: chr4-109757763-C-A. GRCh37 (hg19) VCF-style: chr4-110678919-C-A.
Other names: c.928G>T, p.Glu310Ter (NM_001318057.2, NM_001375278.1, NM_001440988.1); c.904G>T, p.Glu302Ter (NM_001375279.1, NM_001375281.1, NM_001440989.1); c.295G>T, p.Glu99Ter (NM_001375284.1); c.925G>T, p.Glu309Ter (NM_001440985.1, NM_001440986.1); c.883+2507G>T (NM_001375282.1, NM_001375280.1, NM_001375283.1 and 2 more transcripts); short protein forms E302*, E309*, E310*, E99*.
Identifiers: ClinVar variation 4280569 (VCV004280569.1).
Genomic context (GRCh38, chr4:109,757,763, plus strand): 5'-CAAAGAACCTGAGTTTTGTTTCAATTTTTTAATATCCCCAAATTTTAATAAAAATTTTAC[C>A]TTGAGTCACAGATGCAAAGCCTGAAGAAAACAAAAACAAAAAATTTATCAAAGGATAATT-3'